The following is an entry in ClinVar:

NM_000392.5(ABCC2):c.3535C>G (p.Gln1179Glu)

Gene: ABCC2 (ATP binding cassette subfamily C member 2; plus strand). Cytogenetic location: 10q24.2.
Variant type: single nucleotide variant.
Coding change: c.3535C>G on transcript NM_000392.5 (MANE Select); coding-DNA position 3535, C replaced by G.
Protein change: p.Gln1179Glu; replaces glutamine 1179 with glutamic acid.
Molecular consequence: missense variant.
Genome position (GRCh38, 1-based): chr10:99,836,211, C>G. VCF-style: chr10-99836211-C-G. GRCh37 (hg19) VCF-style: chr10-101595968-C-G.
Other names: short protein forms Q1179E.
Identifiers: ClinVar variation 2117323 (VCV002117323.1), dbSNP rs2038820459, ClinGen allele CA378124877.

ClinVar aggregate classification (germline): Uncertain significance (1 of 4 stars; one submission).

Allele frequency attached by ClinVar (database versions not stated): gnomAD exomes below 0.00001; TOPMed below 0.00001.
gnomAD v4.1: 3 of 1,614,188 alleles (0.00019%); highest among the groups gnomAD compares: Non-Finnish European, 0.000085%; no homozygotes.

Submission:

Labcorp Genetics (formerly Invitae), Labcorp
Classification: Uncertain significance. Last evaluated: 2022-05-25. Review status: criteria provided, single submitter. Criteria: Invitae Variant Classification Sherloc (09022015). Collection method: clinical testing. Allele origin: germline.
Comment: This sequence change replaces glutamine, which is neutral and polar, with glutamic acid, which is acidic and polar, at codon 1179 of the ABCC2 protein (p.Gln1179Glu). This variant is not present in population databases (gnomAD no frequency). This variant has not been reported in the literature in individuals affected with ABCC2-related conditions. Advanced modeling of protein sequence and biophysical properties (such as structural, functional, and spatial information, amino acid conservation, physicochemical variation, residue mobility, and thermodynamic stability) performed at Invitae indicates that this missense variant is not expected to disrupt ABCC2 protein function. In summary, the available evidence is currently insufficient to determine the role of this variant in disease. Therefore, it has been classified as a Variant of Uncertain Significance.